The following is an entry in ClinVar:

NM_001354604.2(MITF):c.1031+6T>C

Gene: MITF (melanocyte inducing transcription factor; plus strand). Cytogenetic location: 3p13.
Variant type: single nucleotide variant.
Coding change: c.1031+6T>C on transcript NM_001354604.2 (MANE Select); 6 bases into the intron after coding-DNA position 1031, T replaced by C.
Molecular consequence: intron variant.
Genome position (GRCh38, 1-based): chr3:69,956,536, T>C. VCF-style: chr3-69956536-T-C. GRCh37 (hg19) VCF-style: chr3-70005687-T-C.
Other names: c.962+6T>C (NM_001354607.2); c.857+6T>C (NM_001354608.2, NM_001184967.2); c.1013+6T>C (NM_198159.3); c.1028+6T>C (NM_001354605.2); c.1010+6T>C (NM_001354606.2, NM_006722.3); c.965+6T>C (NM_198177.3); c.710+6T>C (NM_000248.4); c.692+6T>C (NM_198158.3); and 1 more.
Identifiers: ClinVar variation 2635349 (VCV002635349.1), dbSNP rs2471644811, ClinGen allele CA2695197932.
Genomic context (GRCh38, chr3:69,956,536, plus strand): 5'-ACATAAATGACCGCATTAAAGAACTAGGTACTTTGATTCCCAAGTCAAATGATCCGTGAG[T>C]ACAATCGCGTGTTAATCTGCATCATATATTTTTCGTACCTGAATGTTTTTTCATACGTTG-3'

ClinVar aggregate classification (germline): Uncertain significance (1 of 4 stars; one submission).

Conditions:
MITF-related disorder. Also called: MITF-related condition.

Submission:

PreventionGenetics, part of Exact Sciences
Classification: Uncertain significance for MITF-related condition. Last evaluated: 2022-11-11. Review status: criteria provided, single submitter. Criteria: ACMG Guidelines, 2015. Collection method: clinical testing. Allele origin: germline.
Comment: The MITF c.710+6T>C variant is predicted to interfere with splicing. This variant is predicted to weaken the canonical splice donor site (Alamut Visual Plus v1.6.1). To our knowledge, this variant has not been reported in the literature or in a large population database, indicating this variant is rare. At this time, the clinical significance of this variant is uncertain due to the absence of conclusive functional and genetic evidence.